The following is an entry in ClinVar:

NM_177438.3(DICER1):c.5723C>T (p.Ala1908Val)

Gene: DICER1 (dicer 1, ribonuclease III; minus strand). Cytogenetic location: 14q32.13.
Variant type: single nucleotide variant.
Coding change: c.5723C>T on transcript NM_177438.3 (MANE Select); coding-DNA position 5723, C replaced by T.
Protein change: p.Ala1908Val; replaces alanine 1908 with valine.
Molecular consequence: missense variant. On other transcripts: 3 prime UTR variant (1), non-coding transcript variant (6).
Genome position (GRCh38, 1-based): chr14:95,090,544, G>A on the plus strand (C>T on the coding strand, the complement: DICER1 is on the minus strand). VCF-style: chr14-95090544-G-A. GRCh37 (hg19) VCF-style: chr14-95556881-G-A.
Other names: c.*70C>T (NM_001195573.1); c.5723C>T, p.Ala1908Val (NM_001271282.3, NM_001291628.2, NM_001395677.1 and 7 more transcripts); c.5441C>T, p.Ala1814Val (NM_001395686.1); c.5318C>T, p.Ala1773Val (NM_001395687.1, NM_001395688.1, NM_001395689.1 and 1 more transcripts); c.5156C>T, p.Ala1719Val (NM_001395691.1); c.4040C>T, p.Ala1347Val (NM_001395697.1); short protein forms A1773V, A1814V, A1719V, A1908V, A1347V.
Identifiers: ClinVar variation 4843070 (VCV004843070.1).

ClinVar aggregate classification (germline): Uncertain significance (1 of 4 stars; one submission).

Conditions:
Hereditary cancer-predisposing syndrome. Also called: Neoplastic Syndromes, Hereditary; Tumor predisposition; Hereditary Cancer Syndrome; Hereditary neoplastic syndrome. Identifiers: Orphanet 140162, MedGen C0027672, MeSH D009386, MONDO:0015356.

Submission:

Ambry Genetics
Classification: Uncertain significance for Hereditary cancer-predisposing syndrome. Last evaluated: 2025-12-17. Review status: criteria provided, single submitter. Criteria: Ambry Variant Classification Scheme 2023. Collection method: clinical testing. Allele origin: germline.
Comment: The p.A1908V variant (also known as c.5723C>T), located in coding exon 26 of the DICER1 gene, results from a C to T substitution at nucleotide position 5723. The alanine at codon 1908 is replaced by valine, an amino acid with similar properties. This amino acid position is conserved. In addition, this alteration is predicted to be deleterious by in silico analysis. Based on the available evidence, the clinical significance of this variant remains unclear.